The following is an entry in ClinVar:

ClinVar aggregate classification (germline): Benign/Likely benign. Review status: criteria provided, multiple submitters, no conflicts (2 of 4 stars). 15 submissions from 12 submitters: Benign (7); Likely benign (4). 4 of the submissions do not count toward it. Last evaluated 2026-02-03.

Conditions:
Dilated cardiomyopathy 1G (CMD1G). Identifiers: Orphanet 154, MedGen C1858763, MONDO:0011400, OMIM 604145.
Autosomal recessive limb-girdle muscular dystrophy type 2J (LGMDR10). Also called: Limb-girdle muscular dystrophy, type 2J; MUSCULAR DYSTROPHY, LIMB-GIRDLE, AUTOSOMAL RECESSIVE 10. Identifiers: Orphanet 140922, MedGen C1837342, MONDO:0012127, OMIM 608807.
Tibial muscular dystrophy (TMD). Also called: Tibial muscular dystrophy, tardive; Udd Distal Myopathy – Tibial Muscular Dystrophy; UDD MYOPATHY. Identifiers: Orphanet 609, MedGen C1838244, MONDO:0010870, OMIM 600334.
Myopathy, myofibrillar, 9, with early respiratory failure (MFM9). Also called: Myopathy, distal, with early respiratory failure, autosomal dominant; MYOPATHY, PROXIMAL, WITH EARLY RESPIRATORY MUSCLE INVOLVEMENT; Hereditary myopathy with early respiratory failure; EDSTROM MYOPATHY. Identifiers: Orphanet 178464, Orphanet 34521, MedGen C1863599, MONDO:0011362, OMIM 603689.
Early-onset myopathy with fatal cardiomyopathy (CMYO5). Also called: CONGENITAL MYOPATHY 5 WITH CARDIOMYOPATHY; Salih Myopathy. Identifiers: Orphanet 289377, MedGen C2673677, MONDO:0012714, OMIM 611705. Disease mechanism: loss of function.

Allele frequency attached by ClinVar (database versions not stated): TOPMed 0.00327; ESP Exome Variant Server 0.00488; 1000 Genomes Project 30x 0.00562; 1000 Genomes Project 0.00639; ExAC 0.00650.
gnomAD v4.1: 9,925 of 1,611,716 alleles (0.62%); highest among the groups gnomAD compares: South Asian, 2.3%; 66 homozygotes.

Submissions (15):

Labcorp Genetics (formerly Invitae), Labcorp
Classification: Benign for Dilated cardiomyopathy 1G; Autosomal recessive limb-girdle muscular dystrophy type 2J. Last evaluated: 2026-02-03. Review status: criteria provided, single submitter. Criteria: Invitae Variant Classification Sherloc (09022015). Collection method: clinical testing. Allele origin: germline.

Genomic Medicine Center of Excellence, King Faisal Specialist Hospital and Research Centre
Classification: Likely benign. Last evaluated: 2025-08-18. Review status: criteria provided, single submitter. Criteria: ACMG Guidelines, 2015. Collection method: clinical testing. Allele origin: germline.

ARUP Laboratories, Molecular Genetics and Genomics, ARUP Laboratories
Classification: Benign. Last evaluated: 2025-06-23. Review status: criteria provided, single submitter. Criteria: ARUP Molecular Germline Variant Investigation Process 2024. Collection method: clinical testing. Allele origin: germline.

Athena Diagnostics
Classification: Benign. Last evaluated: 2024-12-13. Review status: criteria provided, single submitter. Criteria: Athena Diagnostics Criteria. Collection method: clinical testing. Allele origin: unknown.
Comment: The frequency of this variant in the general population is higher than would generally be expected for pathogenic variants in this gene.

Blueprint Genetics
Classification: Likely benign. Last evaluated: 2024-11-25. Review status: criteria provided, single submitter. Criteria: ACMG Guidelines, 2015. Collection method: clinical testing. Allele origin: germline.

Genome-Nilou Lab
Classification: Benign for Autosomal recessive limb-girdle muscular dystrophy type 2J. Last evaluated: 2021-09-10. Review status: criteria provided, single submitter. Criteria: ACMG Guidelines, 2015. Collection method: clinical testing. Allele origin: germline. Affected: no.

Genome-Nilou Lab
Classification: Benign for Myopathy, myofibrillar, 9, with early respiratory failure. Last evaluated: 2021-09-10. Review status: criteria provided, single submitter. Criteria: ACMG Guidelines, 2015. Collection method: clinical testing. Allele origin: germline. Affected: no.

Genome-Nilou Lab
Classification: Benign for Early-onset myopathy with fatal cardiomyopathy. Last evaluated: 2021-09-10. Review status: criteria provided, single submitter. Criteria: ACMG Guidelines, 2015. Collection method: clinical testing. Allele origin: germline. Affected: no.

Genome-Nilou Lab
Classification: Benign for Tibial muscular dystrophy. Last evaluated: 2021-09-10. Review status: criteria provided, single submitter. Criteria: ACMG Guidelines, 2015. Collection method: clinical testing. Allele origin: germline. Affected: no.

GeneDx
Classification: Likely benign. Last evaluated: 2018-06-19. Review status: criteria provided, single submitter. Criteria: GeneDx Variant Classification (06012015). Collection method: clinical testing. Allele origin: germline. Affected: yes.
Comment: This variant is considered likely benign or benign based on one or more of the following criteria: it is a conservative change, it occurs at a poorly conserved position in the protein, it is predicted to be benign by multiple in silico algorithms, and/or has population frequency not consistent with disease.

Breakthrough Genomics
Classification: Likely benign. Review status: criteria provided, single submitter. Criteria: ACMG Guidelines, 2015. Collection method: not provided. Allele origin: germline. Inheritance: Autosomal recessive inheritance. Affected: yes.

Clinical Genetics DNA and cytogenetics Diagnostics Lab, Erasmus MC, Erasmus Medical Center
Classification: Likely benign. Review status: no assertion criteria provided. Collection method: clinical testing. Allele origin: germline. Affected: yes. Study: VKGL Data-share Consensus. Not counted in ClinVar's aggregate classification.

Diagnostic Laboratory, Department of Genetics, University Medical Center Groningen
Classification: Likely benign. Review status: no assertion criteria provided. Collection method: clinical testing. Allele origin: germline. Affected: yes. Study: VKGL Data-share Consensus. Not counted in ClinVar's aggregate classification.

Joint Genome Diagnostic Labs from Nijmegen and Maastricht, Radboudumc and MUMC+
Classification: Likely benign. Review status: no assertion criteria provided. Collection method: clinical testing. Allele origin: germline. Affected: yes. Study: VKGL Data-share Consensus. Not counted in ClinVar's aggregate classification.

Laboratory of Diagnostic Genome Analysis, Leiden University Medical Center (LUMC)
Classification: Likely benign. Review status: no assertion criteria provided. Collection method: clinical testing. Allele origin: germline. Affected: yes. Study: VKGL Data-share Consensus. Not counted in ClinVar's aggregate classification.

NM_001267550.2(TTN):c.38929C>T (p.Pro12977Ser)

Gene: TTN (titin; minus strand). Cytogenetic location: 2q31.2.
Variant type: single nucleotide variant.
Coding change: c.38929C>T on transcript NM_001267550.2 (MANE Select); coding-DNA position 38929, C replaced by T.
Protein change: p.Pro12977Ser; replaces proline 12977 with serine.
Molecular consequence: missense variant. On other transcripts: intron variant (5).
Genome position (GRCh38, 1-based): chr2:178,652,878, G>A on the plus strand (C>T on the coding strand, the complement: TTN is on the minus strand). VCF-style: chr2-178652878-G-A. GRCh37 (hg19) VCF-style: chr2-179517605-G-A.
Other names: c.13283-10561C>T (NM_003319.4); c.13859-10561C>T (NM_133437.4); c.13658-10561C>T (NM_133432.3); c.31742-337C>T (NM_133378.4); c.34523-337C>T (NM_001256850.1); short protein forms P12977S.
Identifiers: ClinVar variation 238766 (VCV000238766.28), dbSNP rs150223722, ClinGen allele CA1996959.